The following is an entry in ClinVar:

ClinVar aggregate classification (germline): Uncertain significance (1 of 4 stars; one submission).

Submission:

GeneDx
Classification: Uncertain significance. Last evaluated: 2021-06-25. Review status: criteria provided, single submitter. Criteria: GeneDx Variant Classification Process June 2021. Collection method: clinical testing. Allele origin: germline. Affected: yes.
Comment: Canonical splice site variant in a gene for which loss-of-function is not a known mechanism of disease; Not observed at significant frequency in large population cohorts (Lek et al., 2016); Has not been previously published as pathogenic or benign to our knowledge; This variant is associated with the following publications: (PMID: 27535533)

NM_032322.4(RNF135):c.372+1G>T

Gene: RNF135 (ring finger protein 135; plus strand). Cytogenetic location: 17q11.2.
Variant type: single nucleotide variant.
Coding change: c.372+1G>T on transcript NM_032322.4 (MANE Select); the canonical splice donor site of the intron after coding-DNA position 372, G replaced by T.
Molecular consequence: splice donor variant.
Genome position (GRCh38, 1-based): chr17:30,971,446, G>T. VCF-style: chr17-30971446-G-T. GRCh37 (hg19) VCF-style: chr17-29298464-G-T.
Other names: c.372+1G>T (NM_001184992.2, NM_197939.2).
Identifiers: ClinVar variation 1329594 (VCV001329594.2), dbSNP rs2142651257, ClinGen allele CA399201778.